The following is an entry in ClinVar:

NM_006015.6(ARID1A):c.952G>A (p.Gly318Ser)

Genes: ARID1A (AT-rich interaction domain 1A; plus strand), LOC129929837 (ATAC-STARR-seq lymphoblastoid silent region 489; plus strand). Cytogenetic location: 1p36.11.
Variant type: single nucleotide variant.
Coding change: c.952G>A on transcript NM_006015.6 (MANE Select); coding-DNA position 952, G replaced by A.
Protein change: p.Gly318Ser; replaces glycine 318 with serine.
Molecular consequence: missense variant.
Genome position (GRCh38, 1-based): chr1:26,697,355, G>A. VCF-style: chr1-26697355-G-A. GRCh37 (hg19) VCF-style: chr1-27023846-G-A.
Other names: c.952G>A, p.Gly318Ser (NM_139135.4); short protein forms G318S.
Identifiers: ClinVar variation 3389948 (VCV003389948.14).

ClinVar aggregate classification (germline): Uncertain significance (1 of 4 stars; one submission).

Submission:

CeGaT Center for Human Genetics Tuebingen
Classification: Uncertain significance. Last evaluated: 2024-10-01. Review status: criteria provided, single submitter. Criteria: CeGaT Center For Human Genetics Tuebingen Variant Classification Criteria Version 2. Collection method: clinical testing. Allele origin: germline. Affected: yes. Observed: 1 variant allele.
Comment: ARID1A: PM2